The following is an entry in ClinVar:

ClinVar aggregate classification (germline): Likely pathogenic (1 of 4 stars; one submission).

Conditions:
Lamellar ichthyosis. Identifiers: Orphanet 313, MedGen C5848247, MONDO:0017778.

Allele frequency attached by ClinVar (database versions not stated): gnomAD exomes below 0.00001; TOPMed below 0.00001; gnomAD 0.00001.
gnomAD v4.1: 3 of 1,553,062 alleles (0.00019%); highest among the groups gnomAD compares: Non-Finnish European, 0.00026%; no homozygotes.

Submission:

Women's Health and Genetics/Laboratory Corporation of America, LabCorp
Classification: Likely pathogenic for Lamellar ichthyosis. Last evaluated: 2022-12-09. Review status: criteria provided, single submitter. Criteria: LabCorp Variant Classification Summary - May 2015. Collection method: clinical testing. Allele origin: germline.
Comment: Variant summary: ALOX12B c.1071+2T>C is located in a canonical splice-site and is predicted to affect mRNA splicing resulting in a significantly altered protein due to either exon skipping, shortening, or inclusion of intronic material. Several computational tools predict a significant impact on normal splicing: Three predict the variant abolishes the canonical 5' splicing donor site. However, these predictions have yet to be confirmed by functional studies. The variant was absent in 158444 control chromosomes (gnomAD). To our knowledge, no occurrence of c.1071+2T>C in individuals affected with Lamellar Ichthyosis and no experimental evidence demonstrating its impact on protein function have been reported. No clinical diagnostic laboratories have submitted clinical-significance assessments for this variant to ClinVar after 2014. Based on the evidence outlined above, the variant was classified as likely pathogenic.

NM_001139.3(ALOX12B):c.1071+2T>C

Gene: ALOX12B (arachidonate 12-lipoxygenase, 12R type; minus strand). Cytogenetic location: 17p13.1.
Variant type: single nucleotide variant.
Coding change: c.1071+2T>C on transcript NM_001139.3 (MANE Select); the canonical splice donor site of the intron after coding-DNA position 1071, T replaced by C.
Molecular consequence: splice donor variant.
Genome position (GRCh38, 1-based): chr17:8,079,394, A>G on the plus strand (T>C on the coding strand, the complement: ALOX12B is on the minus strand). VCF-style: chr17-8079394-A-G. GRCh37 (hg19) VCF-style: chr17-7982712-A-G.
Identifiers: ClinVar variation 1878264 (VCV001878264.1), dbSNP rs1336771064, ClinGen allele CA397992976.